The following continues an entry in ClinVar:

NM_000258.3(MYL3):c.170C>G (p.Ala57Gly)

Gene: MYL3. ClinVar aggregate classification (germline): Uncertain significance. Uncertain significance (1).

Submissions 11 to 18 of 22:

GeneDx
Classification: Uncertain significance. Last evaluated: 2024-04-23. Review status: criteria provided, single submitter. Criteria: GeneDx Variant Classification Process June 2021. Collection method: clinical testing. Allele origin: germline. Affected: yes. Not counted in ClinVar's aggregate classification.
Comment: In silico analysis supports that this missense variant has a deleterious effect on protein structure/function; Published functional studies are conflicting; one mouse model showed cardiac fibrosis and hypertrophy, however the same model has been previously reported to lack a hypertrophic phenotype (PMID: 23748425, 21885653); This variant is associated with the following publications: (PMID: 11174330, 26443374, 27831900, 34217267, 33288880, 34293104, 34014247, 33726816, 33087929, 33407484, 17142342, 22131351, 22957257, 21415409, 20641121, 27153395, 26385864, 25856671, 27532257, 28518168, 21885653, 29914921, 32034976, 31513939, 31447099, 32492895, 32380161, 32686758, 35626289, 33803477, 28193612, 29121657, 30706179, 33935716, 33495596, 37728764, 30105547, 28241245, 37629714, 31905684, 31131433, 37583586, 37929589, 38175910, 37652022, 29669825, 26668058, 23748425)

CHEO Genetics Diagnostic Laboratory, Children's Hospital of Eastern Ontario
Classification: Likely pathogenic for Cardiomyopathy. Last evaluated: 2023-06-14. Review status: criteria provided, single submitter. Criteria: ACMG Guidelines, 2015. Collection method: clinical testing. Allele origin: germline. Not counted in ClinVar's aggregate classification.

Laboratory for Molecular Medicine, Mass General Brigham Personalized Medicine
Classification: Uncertain significance for Hypertrophic cardiomyopathy. Last evaluated: 2022-11-03. Review status: criteria provided, single submitter. Criteria: ACMG Guidelines, 2015. Collection method: clinical testing. Allele origin: germline. Inheritance: Autosomal unknown. Not counted in ClinVar's aggregate classification.
Comment: The p.Ala57Gly variant in MYL3 has been identified in at least 17 individuals with HCM (Lee 2001 PMID: 11174330, Choi 2010 PMID: 20641121, Murakami 2014 (no PMID), Robyns 2020 PMID: 31513939, Chung 2020 PMID: 32380161, Kim 2020 PMID: 32492895, GeneDx pers. comm., Ambry pers. comm., Invitae pers. comm., LMM data) and segregated with disease in 5 affected family members from 2 families (Lee 2001 PMID: 11174330, Choi 2010 PMID: 20641121). It has also been reported by other clinical laboratories in ClinVar (Variation ID 31780) and has been identified in 0.03% (5/18394) of East Asian chromosomes and 0.01% (12/113750) of European chromosomes by the Genome Aggregation Database (gnomAD), which is higher than the maximum expected allele frequency for a pathogenic variant in the MYL3 gene associated with autosomal dominant HCM. In vivo and in vitro functional studies provide some evidence that this variant impacts protein function; however, these types of assays may not accurately represent biological function (Muthu 2011 PMID: 21885653, Lossie 2012 PMID: 22131351, Kazmierczak 2013 PMID: 23748425, Ma 2018 PMID: 29914921). Computational prediction tools and conservation analysis do not provide strong support for or against an impact to the protein. In summary, while there is some suspicion for a pathogenic role, based on the high allele frequency of this variant in the gnomAD population database the clinical significance of the p.Ala57Gly variant is uncertain. ACMG/AMP Criteria applied: PS3_Moderate; PP1_Moderate, BS1_Supporting.

Clinical Genetics Laboratory, Skane University Hospital Lund
Classification: Uncertain significance. Last evaluated: 2022-05-27. Review status: criteria provided, single submitter. Criteria: ACMG Guidelines, 2015. Collection method: clinical testing. Allele origin: germline. Affected: yes. Not counted in ClinVar's aggregate classification.

AiLife Diagnostics
Classification: Likely pathogenic. Last evaluated: 2021-11-18. Review status: criteria provided, single submitter. Criteria: ACMG Guidelines, 2015. Collection method: clinical testing. Allele origin: germline. Affected: yes. Observed: 1 variant allele. Not counted in ClinVar's aggregate classification.

New York Genome Center
Classification: Uncertain significance for Hypertrophic cardiomyopathy 8. Last evaluated: 2021-07-30. Review status: criteria provided, single submitter. Criteria: NYGC Assertion Criteria 2020. Collection method: clinical testing. Allele origin: germline. Observed: 1 heterozygote. Not counted in ClinVar's aggregate classification.
Comment: The heterozygous c.170C>G (p.Ala57Gly) missense variant in the MYL3 gene has been reported as heterozygous in multiple individuals affected with hypertrophic cardiomyopathy [HCM; PMID: 27532257, 29121657, 27831900, 32492895]. This missense variant was reported in two unrelated Korean families with HCM and co-segregated the disease in both families [PMID: 11174330, 20641121]. This variant has been reported in the ClinVar database [Variation ID:31780] with conflicting interpretations [Uncertain significance = 5 and pathogenic =3]. Functional studies suggest a reduced binding affinity of mutated MYL3(p.Ala57Gly) to the cardiac myosin heavy chain [PMID: 22131351] and the disruption of myofilament function leading to hypertrophy in a transgenic mice expressing the mutated MYL3 (p.Ala57Gly) [PMID: 23748425]. However, these types of functional studies may not accurately determine the true biological effect(s) and are not validated in clinical diagnostic laboratory setting. The variant has 0.00002630 allele frequency in the gnomAD (v3) database (4 out of 152078 heterozygous alleles,no homozygotes) and 0.00007158 allele frequency in the gnomAD(v2) database (18 out of 251470 heterozygotes, 0.027% allele frequency in East Asiansub-population), which is higher than the maximum expected allele frequency for a pathogenic variant in the MYL3-related dominant HCM. The variant affects a conserved residue [Ala57] located in the EF-hand domain of MYL3 gene. The variant is predicted deleterious by multiple In silico prediction tools (CADD score = 26.6,REVEL score = 0.780). Based on the available evidence, the heterozygous c.170C>G (p.Ala57Gly) missense variant identified in the MYL3 gene is reported as a Variant of Uncertain Significance.

Women's Health and Genetics/Laboratory Corporation of America, LabCorp
Classification: Uncertain significance. Last evaluated: 2020-09-04. Review status: criteria provided, single submitter. Criteria: LabCorp Variant Classification Summary - May 2015. Collection method: clinical testing. Allele origin: germline. Not counted in ClinVar's aggregate classification.
Comment: Variant summary: MYL3 c.170C>G (p.Ala57Gly) results in a non-conservative amino acid change located in the EF-hand domain (IPR002048) of the encoded protein sequence. Four of five in-silico tools predict a damaging effect of the variant on protein function (ACMG PP3). The variant allele was found at a frequency of 7.1e-05 in 252370 control chromosomes (gnomAD). The observed variant frequency is approximately 2.9- fold the estimated maximal expected allele frequency for a pathogenic variant in MYL3 causing Hypertrophic Cardiomyopathy phenotype (2.5e-05), suggesting that the variant is benign. This data should be interpreted with caution in regard to cardiac phenotypes, however, as gnomAD control data includes several well-phenotyped cardiac cohorts (e.g. Jackson Heart Study, Myocardial Infarction Genetics Consortium, etc.) and no phenotypic information about the individuals who had this variant are provided in this database (ACMG BS1, not engaged). c.170C>G has been reported in the literature in multiple individuals affected with Hypertrophic Cardiomyopathy. Most notably, it was found in two unrelated Korean families with HCM in which affected individuals presented with a classic asymmetric septal hypertrophy (Lee_2001, Choi_2010). The variant has also been reported in other HCM patients, although with limited evidence (such as cosegregation data) for causality (examples- Lee_2001, Murakami_2001, Weissler-Snir_2017, Ho_2018, Robyns_2020, Chung_2020, Kim_2020). Overall, these data indicate that the variant may be associated with disease (ACMG PP1 moderate). However, the variant has also been reported in at least one additional unaffected individual (Natarajan_2016). Several publications report experimental evidence evaluating an impact on protein function. Although several studies report statistically significant differences in structure (e.g., fibrosis and myofilament disarray in a transgenic mouse, Muthu_2011) and function (e.g., increased Ca2+ sensitivity and decreased maximal tension, Kazmierczak_2013), the differences between the variant and controls in most of the data are relatively small and the biological significance is unknown (ACMG PS3, not engaged). Seven other clinical diagnostic laboratories have submitted clinical-significance assessments for this variant to ClinVar after 2014 without evidence for independent evaluation. Multiple laboratories reported the variant with conflicting assessments (uncertain significance, n=4; pathogenic, n=3). This variant was re-classified following a discrepancy resolution discussion initiated by Dr. Birgit Funke and Megan Crawley to all ClinVar submitter labs in June-2018. As of Dec-2018, this variant was slated for finalization as a consensus VUS by the ClinGen expert review panel (personal correspondence, Dr. Funke, Melissa A. Kelly). Based on the evidence outlined above, the variant was re-evaluated to retain its previous classification as VUS-possibly pathogenic.

Blueprint Genetics
Classification: Uncertain significance. Last evaluated: 2020-06-04. Review status: criteria provided, single submitter. Criteria: ACMG Guidelines, 2015. Collection method: clinical testing. Allele origin: germline. Not counted in ClinVar's aggregate classification.